The following is an entry in ClinVar:

NM_020806.5(GPHN):c.112A>C (p.Asn38His)

Gene: GPHN (gephyrin; plus strand). Cytogenetic location: 14q23.3.
Variant type: single nucleotide variant.
Coding change: c.112A>C on transcript NM_020806.5 (MANE Select); coding-DNA position 112, A replaced by C.
Protein change: p.Asn38His; replaces asparagine 38 with histidine.
Molecular consequence: missense variant.
Genome position (GRCh38, 1-based): chr14:66,681,154, A>C. VCF-style: chr14-66681154-A-C. GRCh37 (hg19) VCF-style: chr14-67147872-A-C.
Other names: c.112A>C, p.Asn38His (NM_001024218.2, NM_001377514.1, NM_001377515.1 and 4 more transcripts); short protein forms N38H.
Identifiers: ClinVar variation 4882996 (VCV004882996.2).

ClinVar aggregate classification (germline): Uncertain significance (1 of 4 stars; one submission).

Conditions:
Sulfite oxidase deficiency due to molybdenum cofactor deficiency type C. Also called: Molybdenum cofactor deficiency, complementation group C; Molybdenum cofactor deficiency C. Identifiers: Orphanet 308400, Orphanet 833, MedGen C1854990, MONDO:0014212, OMIM 615501.

Submission:

Dasa
Classification: Uncertain significance for Sulfite oxidase deficiency due to molybdenum cofactor deficiency type C. Last evaluated: 2025-11-10. Review status: criteria provided, single submitter. Criteria: DASA Assertion Criteria. Collection method: clinical testing. Allele origin: germline.
Comment: NM_020806.5(GPHN):c.112A>C (p.Asn38His) is a missense variant that results in the substitution of asparagine with histidine. This variant is absent from population databases. The currently available literature and clinical evidence are not sufficient to establish a definitive association between this variant and the reported condition. Therefore, this variant is classified as a variant of uncertain significance.